The following is an entry in ClinVar:

NM_001374736.1(DST):c.20024A>G (p.Asn6675Ser)

Gene: DST (dystonin; minus strand). Cytogenetic location: 6p12.1.
Variant type: single nucleotide variant.
Coding change: c.20024A>G on transcript NM_001374736.1 (MANE Select); coding-DNA position 20024, A replaced by G.
Protein change: p.Asn6675Ser; replaces asparagine 6675 with serine.
Molecular consequence: missense variant.
Genome position (GRCh38, 1-based): chr6:56,497,926, T>C on the plus strand (A>G on the coding strand, the complement: DST is on the minus strand). VCF-style: chr6-56497926-T-C. GRCh37 (hg19) VCF-style: chr6-56362724-T-C.
Other names: c.13667A>G, p.Asn4556Ser (NM_001144769.5); c.13253A>G, p.Asn4418Ser (NM_001144770.2); c.20024A>G, p.Asn6675Ser (NM_001374722.1); c.19064A>G, p.Asn6355Ser (NM_001374729.1); c.12806A>G, p.Asn4269Ser (NM_001374730.1); c.20051A>G, p.Asn6684Ser (NM_001374734.1); c.12155A>G, p.Asn4052Ser (NM_015548.5); c.13133A>G, p.Asn4378Ser (NM_183380.4); short protein forms N4378S, N6675S, N4052S, N4269S, N4556S, N6684S, N4418S, N6355S.
Identifiers: ClinVar variation 968493 (VCV000968493.7), dbSNP rs1282843908, ClinGen allele CA364519189.
Genomic context (GRCh38, chr6:56,497,926, plus strand): 5'-GCACCATCCAGCTGCTGCTTCCTTTGTTCTGTTTTTTCCAAAACATTTTGCCAGCGTTGA[T>C]TTAAAACCTCTAGCTTGTTCTGAAGGTTGCTTGCTTCTTCTCCTGCACTTGATTCAATTA-3'
Protein context (NP_001361665.1, residues 6665-6685): SNLQNKLEVL[Asn6675Ser]QRWQNVLEKT

ClinVar aggregate classification (germline): Uncertain significance (1 of 4 stars; one submission).

Conditions:
Hereditary sensory and autonomic neuropathy type 6. Also called: Neuropathy, hereditary sensory and autonomic, type VI; HSAN VI. Identifiers: Orphanet 314381, MedGen C3539003, MONDO:0013839, OMIM 614653.
Epidermolysis bullosa simplex 3, localized or generalized intermediate, with BP230 deficiency (EBS3). Also called: Epidermolysis bullosa simplex, autosomal recessive 2; Epidermolysis bullosa simplex due to BP230 deficiency. Identifiers: Orphanet 412181, MedGen C3809470, MONDO:0014180, OMIM 615425.

Allele frequency attached by ClinVar (database versions not stated): gnomAD exomes 0.00001 and 0.00002; TOPMed 0.00001.
gnomAD v4.1: 32 of 1,613,398 alleles (0.002%); highest among the groups gnomAD compares: African/African-American, 0.0027%; no homozygotes.

Submission:

Labcorp Genetics (formerly Invitae), Labcorp
Classification: Uncertain significance for Epidermolysis bullosa simplex 3, localized or generalized intermediate, with BP230 deficiency; Hereditary sensory and autonomic neuropathy type 6. Last evaluated: 2021-12-07. Review status: criteria provided, single submitter. Criteria: Invitae Variant Classification Sherloc (09022015). Collection method: clinical testing. Allele origin: germline.
Comment: Experimental studies and prediction algorithms are not available or were not evaluated, and the functional significance of this variant is currently unknown. In summary, the available evidence is currently insufficient to determine the role of this variant in disease. Therefore, it has been classified as a Variant of Uncertain Significance. ClinVar contains an entry for this variant (Variation ID: 968493). This variant has not been reported in the literature in individuals affected with DST-related conditions. This variant is present in population databases (no rsID available, gnomAD 0.003%). This sequence change replaces asparagine, which is neutral and polar, with serine, which is neutral and polar, at codon 4052 of the DST protein (p.Asn4052Ser). The DST gene has multiple clinically relevant transcripts. The p.Asn4052Ser variant occurs in alternate transcript NM_015548.4, which corresponds to c.*117591A>G in NM_001723.5, the primary transcript.